The following is an entry in ClinVar:

ClinVar aggregate classification (germline): Uncertain significance (1 of 4 stars; one submission).

Conditions:
Severe combined immunodeficiency due to DNA-PKcs deficiency. Also called: IMMUNODEFICIENCY 26 WITH NEUROLOGIC ABNORMALITIES; Immunodeficiency 26 with or without neurologic abnormalities. Identifiers: Orphanet 317425, MedGen C4014833, MONDO:0014423, OMIM 615966.

Submission:

Labcorp Genetics (formerly Invitae), Labcorp
Classification: Uncertain significance for Severe combined immunodeficiency due to DNA-PKcs deficiency. Last evaluated: 2022-06-28. Review status: criteria provided, single submitter. Criteria: Invitae Variant Classification Sherloc (09022015). Collection method: clinical testing. Allele origin: germline.
Comment: In summary, the available evidence is currently insufficient to determine the role of this variant in disease. Therefore, it has been classified as a Variant of Uncertain Significance. Experimental studies and prediction algorithms are not available or were not evaluated, and the functional significance of this variant is currently unknown. This sequence change replaces serine, which is neutral and polar, with phenylalanine, which is neutral and non-polar, at codon 2124 of the PRKDC protein (p.Ser2124Phe). This variant is not present in population databases (gnomAD no frequency). This variant has not been reported in the literature in individuals affected with PRKDC-related conditions.

NM_006904.7(PRKDC):c.6371C>T (p.Ser2124Phe)

Gene: PRKDC (protein kinase, DNA-activated, catalytic subunit; minus strand). Cytogenetic location: 8q11.21.
Variant type: single nucleotide variant.
Coding change: c.6371C>T on transcript NM_006904.7 (MANE Select); coding-DNA position 6371, C replaced by T.
Protein change: p.Ser2124Phe; replaces serine 2124 with phenylalanine.
Molecular consequence: missense variant.
Genome position (GRCh38, 1-based): chr8:47,858,610, G>A on the plus strand (C>T on the coding strand, the complement: PRKDC is on the minus strand). VCF-style: chr8-47858610-G-A. GRCh37 (hg19) VCF-style: chr8-48771171-G-A.
Other names: c.6371C>T, p.Ser2124Phe (NM_001081640.2); short protein forms S2124F.
Identifiers: ClinVar variation 2012010 (VCV002012010.3), dbSNP rs2551869990, ClinGen allele CA371160744.
Genomic context (GRCh38, chr8:47,858,610, plus strand): 5'-AGACGGATATTTAATGGTACTATTGGATTTCCCAGTTTGCCATGGAGGAATTTCATCCAA[G>A]AAGGAAGATCTCTTGGCACTGAATCCTAAAATAAAACATTCAAAATTACCTTAAAACGTG-3'
Protein context (NP_008835.5, residues 2114-2134): EEDSVPRDLP[Ser2124Phe]WMKFLHGKLG